The following is an entry in ClinVar:

ClinVar aggregate classification (germline): Uncertain significance. Review status: criteria provided, multiple submitters, no conflicts (2 of 4 stars). 3 submissions from 3 submitters: Uncertain significance (3). Last evaluated 2025-05-25.

Conditions:
Nephronophthisis 14 (NPHP14). Identifiers: Orphanet 2318, MedGen C3539071, MONDO:0013916, OMIM 614844.

Allele frequency attached by ClinVar (database versions not stated): gnomAD exomes below 0.00001 and 0.00002; ExAC 0.00001; gnomAD 0.00001.
gnomAD v4.1: 30 of 1,613,980 alleles (0.0019%); highest among the groups gnomAD compares: East Asian, 0.036%; no homozygotes.

Submissions (3):

Ambry Genetics
Classification: Uncertain significance. Last evaluated: 2025-05-25. Review status: criteria provided, single submitter. Criteria: Ambry Variant Classification Scheme 2023. Collection method: clinical testing. Allele origin: germline.

Women's Health and Genetics/Laboratory Corporation of America, LabCorp
Classification: Uncertain significance. Last evaluated: 2025-04-25. Review status: criteria provided, single submitter. Criteria: LabCorp Variant Classification Summary - May 2015. Collection method: clinical testing. Allele origin: germline.
Comment: Variant summary: ZNF423 c.3848C>T (p.Ala1283Val) results in a non-conservative amino acid change in the encoded protein sequence. Three of five in-silico tools predict a damaging effect of the variant on protein function. The variant allele was found at a frequency of 4e-06 in 251410 control chromosomes. The available data on variant occurrences in the general population are insufficient to allow any conclusion about variant significance. To our knowledge, no occurrence of c.3848C>T in individuals affected with ZNF423-Related Disorders and no experimental evidence demonstrating its impact on protein function have been reported. ClinVar contains an entry for this variant (Variation ID: 1354385). Based on the evidence outlined above, the variant was classified as uncertain significance.

Labcorp Genetics (formerly Invitae), Labcorp
Classification: Uncertain significance for Nephronophthisis 14. Last evaluated: 2022-02-10. Review status: criteria provided, single submitter. Criteria: Invitae Variant Classification Sherloc (09022015). Collection method: clinical testing. Allele origin: germline.
Comment: Algorithms developed to predict the effect of missense changes on protein structure and function (SIFT, PolyPhen-2, Align-GVGD) all suggest that this variant is likely to be tolerated. In summary, the available evidence is currently insufficient to determine the role of this variant in disease. Therefore, it has been classified as a Variant of Uncertain Significance. This variant has not been reported in the literature in individuals affected with ZNF423-related conditions. This sequence change replaces alanine, which is neutral and non-polar, with valine, which is neutral and non-polar, at codon 1283 of the ZNF423 protein (p.Ala1283Val). This variant is present in population databases (rs774591168, gnomAD 0.0009%).

NM_001379286.1(ZNF423):c.3872C>T (p.Ala1291Val)

Gene: ZNF423 (zinc finger protein 423; minus strand). Cytogenetic location: 16q12.1.
Variant type: single nucleotide variant.
Coding change: c.3872C>T on transcript NM_001379286.1 (MANE Select); coding-DNA position 3872, C replaced by T.
Protein change: p.Ala1291Val; replaces alanine 1291 with valine.
Molecular consequence: missense variant.
Genome position (GRCh38, 1-based): chr16:49,491,282, G>A on the plus strand (C>T on the coding strand, the complement: ZNF423 is on the minus strand). VCF-style: chr16-49491282-G-A. GRCh37 (hg19) VCF-style: chr16-49525193-G-A.
Other names: c.3668C>T, p.Ala1223Val (NM_001271620.2); c.3497C>T, p.Ala1166Val (NM_001330533.2); c.3848C>T, p.Ala1283Val (NM_015069.5); c.3848C>T (NM_015069.2); short protein forms A1283V, A1166V, A1223V, A1291V.
Identifiers: ClinVar variation 1354385 (VCV001354385.9), dbSNP rs774591168, ClinGen allele CA8046158.